The following is an entry in ClinVar:

ClinVar aggregate classification (germline): Uncertain significance (1 of 4 stars; one submission).

Conditions:
Hereditary cancer-predisposing syndrome. Also called: Tumor predisposition; Hereditary neoplastic syndrome; Hereditary Cancer Syndrome; Neoplastic Syndromes, Hereditary. Identifiers: Orphanet 140162, MedGen C0027672, MeSH D009386, MONDO:0015356.

Submission:

Ambry Genetics
Classification: Uncertain significance for Hereditary cancer-predisposing syndrome. Last evaluated: 2023-12-08. Review status: criteria provided, single submitter. Criteria: Ambry Variant Classification Scheme 2023. Collection method: clinical testing. Allele origin: germline.
Comment: The c.1316_1330del15 variant (also known as p.G439_C443del) is located in coding exon 10 of the SDHA gene. This variant results from an in-frame deletion of 15 nucleotides (GGGAGGCCGCCTGTG) at positions 1316 to 1330. This results in the in-frame deletion of 5 amino acids (GEAAC) at codons 439 to 443. This amino acid region is well conserved in available vertebrate species. In addition, this alteration is predicted to be deleterious by in silico analysis (Choi Y et al. PLoS ONE. 2012; 7(10):e46688). Since supporting evidence is limited at this time, the clinical significance of this alteration remains unclear.

NM_004168.4(SDHA):c.1316_1330del (p.Gly439_Cys443del)

Gene: SDHA (succinate dehydrogenase complex flavoprotein subunit A; plus strand). Cytogenetic location: 5p15.33.
Variant type: Deletion.
Coding change: c.1316_1330del on transcript NM_004168.4 (MANE Select); coding-DNA positions 1316 to 1330, 15 bases deleted (GGGAGGCCGCCTGTG).
Protein change: p.Gly439_Cys443del.
Molecular consequence: inframe deletion.
Genome position (GRCh38, 1-based): chr5:236,483-236,497, GGGAGGCCGCCTGTG deleted; deleting any 15 consecutive bases within chr5:236,475-236,497 gives the same sequence; the c. name uses the placement nearest the transcript's 3' end. VCF-style (leftmost placement, unchanged base first): chr5-236474-ACGCCTGTGGGGAGGC-A. GRCh37 (hg19) VCF-style: chr5-236589-ACGCCTGTGGGGAGGC-A.
Other names: c.1172_1186del, p.Gly391_Cys395del (NM_001294332.2); c.1316_1330del, p.Gly439_Cys443del (NM_001330758.2).
Identifiers: ClinVar variation 3223717 (VCV003223717.1), dbSNP rs768469627, ClinGen allele CA3173190.
Genomic context (GRCh38, chr5:236,474, plus strand): 5'-CTTCCTTTCCACAGGTCCTGAGGCACGTGAATGGCCAGGATCAGATTGTGCCCGGCCTGT[ACGCCTGTGGGGAGGC>A]CGCCTGTGCCTCGGTACATGGTGCCAACCGCCTCGGGGCAAACTCGCTCTTGGACCTGGT-3'